The following is an entry in ClinVar:

ClinVar aggregate classification (germline): Likely benign (1 of 4 stars; one submission).

Conditions:
CHD5-related disorder. Also called: CHD5-related condition.

gnomAD v4.1: 29 of 1,614,068 alleles (0.0018%); highest among the groups gnomAD compares: Non-Finnish European, 0.0025%; no homozygotes.

Submission:

PreventionGenetics, part of Exact Sciences
Classification: Likely benign for CHD5-related condition. Last evaluated: 2025-01-06. Review status: criteria provided, single submitter. Criteria: ACMG Guidelines, 2015. Collection method: clinical testing. Allele origin: germline.
Comment: This variant is classified as likely benign based on ACMG/AMP sequence variant interpretation guidelines (Richards et al. 2015 PMID: 25741868, with internal and published modifications).

NM_015557.3(CHD5):c.1831C>T (p.Leu611=)

Gene: CHD5 (chromodomain helicase DNA binding protein 5; minus strand). Cytogenetic location: 1p36.31.
Variant type: single nucleotide variant.
Coding change: c.1831C>T on transcript NM_015557.3 (MANE Select); coding-DNA position 1831, C replaced by T.
Protein change: p.Leu611=; no amino-acid change (leucine 611 retained).
Molecular consequence: synonymous variant.
Genome position (GRCh38, 1-based): chr1:6,144,127, G>A on the plus strand (C>T on the coding strand, the complement: CHD5 is on the minus strand). VCF-style: chr1-6144127-G-A. GRCh37 (hg19) VCF-style: chr1-6204187-G-A.
Identifiers: ClinVar variation 4978067 (VCV004978067.1).